The following is an entry in ClinVar:

NM_000535.7(PMS2):c.2092G>C (p.Val698Leu)

Gene: PMS2 (PMS1 homolog 2, mismatch repair system component; minus strand). Cytogenetic location: 7p22.1.
Variant type: single nucleotide variant.
Coding change: c.2092G>C on transcript NM_000535.7 (MANE Select); coding-DNA position 2092, G replaced by C.
Protein change: p.Val698Leu; replaces valine 698 with leucine.
Molecular consequence: missense variant. On other transcripts: non-coding transcript variant (1).
Genome position (GRCh38, 1-based): chr7:5,982,906, C>G on the plus strand (G>C on the coding strand, the complement: PMS2 is on the minus strand). VCF-style: chr7-5982906-C-G. GRCh37 (hg19) VCF-style: chr7-6022537-C-G.
Other names: c.1159G>C, p.Val387Leu (NM_001322011.2, NM_001322012.2); c.1519G>C, p.Val507Leu (NM_001322013.2); c.2092G>C, p.Val698Leu (NM_001322014.2); c.1783G>C, p.Val595Leu (NM_001322015.2); c.1687G>C, p.Val563Leu (NM_001322003.2, NM_001322004.2, NM_001322005.2 and 1 more transcripts); c.1936G>C, p.Val646Leu (NM_001322006.2); c.1774G>C, p.Val592Leu (NM_001322007.2, NM_001322008.2); c.1531G>C, p.Val511Leu (NM_001322010.2); and 1 more; short protein forms V387L, V507L, V511L, V563L, V592L, V595L, V646L, V698L.
Identifiers: ClinVar variation 1048966 (VCV001048966.8), dbSNP rs751551006, ClinGen allele CA046557.

ClinVar aggregate classification (germline): Uncertain significance. Review status: criteria provided, multiple submitters, no conflicts (2 of 4 stars). 4 submissions from 4 submitters: Uncertain significance (3). 1 of the submissions does not count toward it. Last evaluated 2026-01-20.

Conditions:
Malignant tumor of breast. Also called: Malignant breast neoplasm; Cancer breast. Identifiers: MedGen C0006142, MONDO:0007254. Disease mechanism: loss of function.
Hereditary cancer-predisposing syndrome. Also called: Tumor predisposition; Hereditary neoplastic syndrome; Neoplastic Syndromes, Hereditary; Hereditary Cancer Syndrome. Identifiers: Orphanet 140162, MedGen C0027672, MeSH D009386, MONDO:0015356.
PMS2-related disorder. Also called: PMS2-related condition.
Hereditary nonpolyposis colorectal neoplasms. Identifiers: MedGen C0009405, MeSH D003123.

Allele frequency attached by ClinVar (database versions not stated): TOPMed below 0.00001; gnomAD 0.00001; ExAC 0.00002.

Submissions (4):

Labcorp Genetics (formerly Invitae), Labcorp
Classification: Uncertain significance for Hereditary nonpolyposis colorectal neoplasms. Last evaluated: 2026-01-20. Review status: criteria provided, single submitter. Criteria: Invitae Variant Classification Sherloc (09022015). Collection method: clinical testing. Allele origin: germline.
Comment: This sequence change replaces valine, which is neutral and non-polar, with leucine, which is neutral and non-polar, at codon 698 of the PMS2 protein (p.Val698Leu). The frequency data for this variant in the population databases (gnomAD) is considered unreliable due to the presence of homologous sequence, such as pseudogenes or paralogs, in the genome. This variant has not been reported in the literature in individuals affected with PMS2-related conditions. ClinVar contains an entry for this variant (Variation ID: 1048966). Invitae Evidence Modeling incorporating data from in vitro experimental studies (internal data) indicates that this missense variant is not expected to disrupt PMS2 function with a negative predictive value of 95%. In summary, the available evidence is currently insufficient to determine the role of this variant in disease. Therefore, it has been classified as a Variant of Uncertain Significance.

Ambry Genetics
Classification: Uncertain significance for Hereditary cancer-predisposing syndrome. Last evaluated: 2025-12-15. Review status: criteria provided, single submitter. Criteria: Ambry Variant Classification Scheme 2023. Collection method: clinical testing. Allele origin: germline.
Comment: The p.V698L variant (also known as c.2092G>C), located in coding exon 12 of the PMS2 gene, results from a G to C substitution at nucleotide position 2092. The valine at codon 698 is replaced by leucine, an amino acid with highly similar properties. This amino acid position is not well conserved in available vertebrate species. In addition, the in silico prediction for this alteration is inconclusive. Based on the available evidence, the clinical significance of this variant remains unclear.

PreventionGenetics, part of Exact Sciences
Classification: Uncertain significance for PMS2-related condition. Last evaluated: 2025-08-21. Review status: criteria provided, single submitter. Criteria: ACMG Guidelines, 2015. Collection method: clinical testing. Allele origin: germline.
Comment: The PMS2 c.2092G>C variant is predicted to result in the amino acid substitution p.Val698Leu. This variant has been reported as a variant of uncertain significance in a patient with breast cancer; however, no additional evidence was provided to support pathogenicity (Lerner-Ellis et al. 2020. PubMed ID: 32885271). This variant has not been reported in a large population database (gnomAD), indicating this variant is rare. At this time, the clinical significance of this variant is uncertain due to the absence of conclusive functional and genetic evidence.

Department of Pathology and Laboratory Medicine, Sinai Health System
Classification: Uncertain significance for Malignant tumor of breast. Review status: no assertion criteria provided. Collection method: clinical testing. Allele origin: unknown. Affected: yes. Study: The Canadian Open Genetics Repository (COGR). Not counted in ClinVar's aggregate classification.
Comment: The PMS2 p.Val698Leu variant was not identified in the literature nor was it identified in the ClinVar, COGR, Cosmic, MutDB, Zhejiang University Database, Mismatch Repair Genes Variant Database, Insight Hereditary Tumors, the Exome Aggregation Consortium (August 8th 2016), or the Genome Aggregation Database (Feb 27, 2017). The variant was identified in dbSNP (ID: rs751551006) as "With Uncertain significance allele", and in ClinVar (classified as uncertain significance by Integrated Genetics/Laboratory Corporation of America). The p.Val698 residue is not conserved in mammals and four out of five computational analyses (PolyPhen-2, SIFT, AlignGVGD, BLOSUM, MutationTaster) do not suggest a high likelihood of impact to the protein; however, this information is not predictive enough to rule out pathogenicity. The variant occurs outside of the splicing consensus sequence and in silico or computational prediction software programs (SpliceSiteFinder, MaxEntScan, NNSPLICE, GeneSplicer) do not predict a difference in splicing. In summary, based on the above information the clinical significance of this variant cannot be determined with certainty at this time. This variant is classified as a variant of uncertain significance.

Literature cited by the submitters: PubMed 32885271 (cited by Ambry Genetics).